The following is an entry in ClinVar:

ClinVar aggregate classification (germline): Benign. Review status: criteria provided, single submitter (1 of 4 stars). 2 submissions from 1 submitter: Benign (2). Last evaluated 2018-01-12.

Conditions:
Susceptibility to mononeuropathy of the median nerve, mild. Also called: CARPAL TUNNEL SYNDROME, SUSCEPTIBILITY TO. Identifiers: MedGen C3150596, MONDO:0013237, OMIM 613353.
Charcot-Marie-Tooth disease type 4C (CMT4C). Also called: CHARCOT-MARIE-TOOTH DISEASE, DEMYELINATING, AUTOSOMAL RECESSIVE, TYPE 4C; CMT 4C; Charcot-Marie-Tooth Neuropathy Type 4C (CMT4C); CHARCOT-MARIE-TOOTH DISEASE, DEMYELINATING, TYPE 4C; SH3TC2-Related Hereditary Motor and Sensory Neuropathy. Identifiers: Orphanet 99949, MedGen C1866636, MONDO:0011113, OMIM 601596.

Allele frequency attached by ClinVar (database versions not stated): TOPMed 0.15403; gnomAD 0.16452 and 0.16765; gnomAD exomes 0.20694; 1000 Genomes Project 30x 0.15881; 1000 Genomes Project 0.16154.
gnomAD v4.1: 26,620 of 157,252 alleles (17%); highest among the groups gnomAD compares: East Asian, 24%; 2,611 homozygotes.

Submissions (2):

Illumina Laboratory Services, Illumina
Classification: Benign for Charcot-Marie-Tooth disease type 4C. Last evaluated: 2018-01-12. Review status: criteria provided, single submitter. Criteria: ICSL Variant Classification Criteria 13 December 2019. Collection method: clinical testing. Allele origin: germline.
Comment: This variant was observed in the ICSL laboratory as part of a predisposition screen in an ostensibly healthy population. It had not been previously curated by ICSL or reported in the Human Gene Mutation Database (HGMD: prior to June 1st, 2018), and was therefore a candidate for classification through an automated scoring system. Utilizing variant allele frequency, disease prevalence and penetrance estimates, and inheritance mode, an automated score was calculated to assess if this variant is too frequent to cause the disease. Based on the score and internal cut-off values, a variant classified as benign is not then subjected to further curation. The score for this variant resulted in a classification of benign for this disease.

Illumina Laboratory Services, Illumina
Classification: Benign for Susceptibility to mononeuropathy of the median nerve, mild. Last evaluated: 2018-01-12. Review status: criteria provided, single submitter. Criteria: ICSL Variant Classification Criteria 13 December 2019. Collection method: clinical testing. Allele origin: germline.
Comment: the same text as in the submission from Illumina Laboratory Services, Illumina above.

NM_024577.4(SH3TC2):c.*1309C>T

Gene: SH3TC2 (SH3 domain and tetratricopeptide repeats 2; minus strand). Cytogenetic location: 5q32.
Variant type: single nucleotide variant.
Coding change: c.*1309C>T on transcript NM_024577.4 (MANE Select); 1309 bases downstream of the stop codon, C replaced by T.
Molecular consequence: 3 prime UTR variant.
Genome position (GRCh38, 1-based): chr5:149,003,402, G>A on the plus strand (C>T on the coding strand, the complement: SH3TC2 is on the minus strand). VCF-style: chr5-149003402-G-A. GRCh37 (hg19) VCF-style: chr5-148382965-G-A.
Identifiers: ClinVar variation 351870 (VCV000351870.5), dbSNP rs1007401, ClinGen allele CA10620731.